The following is an entry in ClinVar:

NM_005902.4(SMAD3):c.596G>C (p.Ser199Thr)

Gene: SMAD3 (SMAD family member 3; plus strand). Cytogenetic location: 15q22.33.
Variant type: single nucleotide variant.
Coding change: c.596G>C on transcript NM_005902.4 (MANE Select); coding-DNA position 596, G replaced by C.
Protein change: p.Ser199Thr; replaces serine 199 with threonine.
Molecular consequence: missense variant.
Genome position (GRCh38, 1-based): chr15:67,166,842, G>C. VCF-style: chr15-67166842-G-C. GRCh37 (hg19) VCF-style: chr15-67459180-G-C.
Other names: c.281G>C, p.Ser94Thr (NM_001145102.2, NM_001407016.1); c.464G>C, p.Ser155Thr (NM_001145103.2, NM_001407012.1); c.11G>C, p.Ser4Thr (NM_001145104.2, NM_001407017.1); c.596G>C, p.Ser199Thr (NM_001407011.1, NM_001407013.1); c.449G>C, p.Ser150Thr (NM_001407014.1); c.149G>C, p.Ser50Thr (NM_001407015.1); short protein forms S199T, S94T, S4T, S50T, S150T, S155T.
Identifiers: ClinVar variation 2452417 (VCV002452417.3), dbSNP rs2140296884, ClinGen allele CA392954836.

ClinVar aggregate classification (germline): Uncertain significance. Review status: criteria provided, multiple submitters, no conflicts (2 of 4 stars). 2 submissions from 2 submitters: Uncertain significance (2). Last evaluated 2025-06-17.

Conditions:
Familial thoracic aortic aneurysm and aortic dissection (TAAD). Also called: Thoracic aortic aneurysms and dissections. Identifiers: Orphanet 91387, MedGen C4707243, MONDO:0019625.

Allele frequency attached by ClinVar (database versions not stated): gnomAD exomes below 0.00001.
gnomAD v4.1: 1 of 1,591,940 alleles (0.000063%); highest among the groups gnomAD compares: Non-Finnish European, 0.000086%; no homozygotes.

Submissions (2):

Color Diagnostics, LLC DBA Color Health
Classification: Uncertain significance for Familial thoracic aortic aneurysm and aortic dissection. Last evaluated: 2025-06-17. Review status: criteria provided, single submitter. Criteria: ACMG Guidelines, 2015. Collection method: clinical testing. Allele origin: germline.
Comment: This missense variant replaces serine with threonine at codon 199 of the SMAD3 protein. Computational prediction suggests that this variant may not impact protein structure and function. To our knowledge, functional studies have not been reported for this variant. This variant has not been reported in individuals affected with SMAD3-related disorders in the literature. This variant has not been identified in the general population by the Genome Aggregation Database (gnomAD). The available evidence is insufficient to determine the role of this variant in disease conclusively. Therefore, this variant is classified as a Variant of Uncertain Significance.

Ambry Genetics
Classification: Uncertain significance for Familial thoracic aortic aneurysm and aortic dissection. Last evaluated: 2022-11-27. Review status: criteria provided, single submitter. Criteria: Ambry Variant Classification Scheme 2023. Collection method: clinical testing. Allele origin: germline.
Comment: The p.S199T variant (also known as c.596G>C), located in coding exon 4 of the SMAD3 gene, results from a G to C substitution at nucleotide position 596. The serine at codon 199 is replaced by threonine, an amino acid with similar properties. This amino acid position is conserved. In addition, the in silico prediction for this alteration is inconclusive. Since supporting evidence is limited at this time, the clinical significance of this alteration remains unclear.